The following is an entry in ClinVar:

ClinVar aggregate classification (germline): Conflicting classifications of pathogenicity. Review status: criteria provided, conflicting classifications (1 of 4 stars). 3 submissions from 3 submitters: Uncertain significance (1); Likely benign (2). Last evaluated 2025-02-26.

Conditions:
Inborn genetic diseases. Identifiers: MedGen C0950123, MeSH D030342.

Allele frequency attached by ClinVar (database versions not stated): gnomAD exomes below 0.00001.
gnomAD v4.1: 1 of 1,211,788 alleles (0.000083%); highest among the groups gnomAD compares: East Asian, 0.003%; no homozygotes.

Submissions (3):

Labcorp Genetics (formerly Invitae), Labcorp
Classification: Uncertain significance. Last evaluated: 2025-02-26. Review status: criteria provided, single submitter. Criteria: Invitae Variant Classification Sherloc (09022015). Collection method: clinical testing. Allele origin: germline.
Comment: This sequence change replaces lysine, which is basic and polar, with arginine, which is basic and polar, at codon 284 of the TAF1 protein (p.Lys284Arg). This variant is present in population databases (no rsID available, gnomAD 0.04%), including at least one homozygous and/or hemizygous individual. This variant has not been reported in the literature in individuals affected with TAF1-related conditions. ClinVar contains an entry for this variant (Variation ID: 2548938). An algorithm developed to predict the effect of missense changes on protein structure and function (PolyPhen-2) suggests that this variant is likely to be tolerated. In summary, the available evidence is currently insufficient to determine the role of this variant in disease. Therefore, it has been classified as a Variant of Uncertain Significance.

Ambry Genetics
Classification: Likely benign for Inborn genetic diseases. Last evaluated: 2023-05-18. Review status: criteria provided, single submitter. Criteria: Ambry Variant Classification Scheme 2023. Collection method: clinical testing. Allele origin: germline.

Blueprint Genetics
Classification: Likely benign. Last evaluated: 2022-07-08. Review status: criteria provided, single submitter. Criteria: ACMG Guidelines, 2015. Collection method: clinical testing. Allele origin: germline.

NM_004606.5(TAF1):c.791A>G (p.Lys264Arg)

Gene: TAF1 (TATA-box binding protein associated factor 1; plus strand). Cytogenetic location: Xq13.1.
Variant type: single nucleotide variant.
Coding change: c.791A>G on transcript NM_004606.5 (MANE Select); coding-DNA position 791, A replaced by G.
Protein change: p.Lys264Arg; replaces lysine 264 with arginine.
Molecular consequence: missense variant. On other transcripts: non-coding transcript variant (9).
Genome position (GRCh38, 1-based): chrX:71,377,679, A>G. VCF-style: chrX-71377679-A-G. GRCh37 (hg19) VCF-style: chrX-70597529-A-G.
Other names: c.791A>G, p.Lys264Arg (NM_001286074.2); c.728A>G, p.Lys243Arg (NM_138923.4); short protein forms K243R, K264R.
Identifiers: ClinVar variation 2548938 (VCV002548938.4), dbSNP rs1388649142, ClinGen allele CA413507218.